The following is an entry in ClinVar:

NM_001370.2(DNAH6):c.8852-10A>C

Gene: DNAH6 (dynein axonemal heavy chain 6; plus strand). Cytogenetic location: 2p11.2.
Variant type: single nucleotide variant.
Coding change: c.8852-10A>C on transcript NM_001370.2 (MANE Select); 10 bases into the intron before coding-DNA position 8852, A replaced by C.
Molecular consequence: intron variant.
Genome position (GRCh38, 1-based): chr2:84,707,510, A>C. VCF-style: chr2-84707510-A-C. GRCh37 (hg19) VCF-style: chr2-84934634-A-C.
Identifiers: ClinVar variation 3029735 (VCV003029735.2), dbSNP rs889568670, ClinGen allele CA52282276.

ClinVar aggregate classification (germline): Likely benign (0 of 4 stars; one submission).

Conditions:
DNAH6-related disorder. Also called: DNAH6-related condition.

Allele frequency attached by ClinVar (database versions not stated): gnomAD exomes below 0.00001; TOPMed below 0.00001; gnomAD 0.00001.
gnomAD v4.1: 7 of 1,530,822 alleles (0.00046%); highest among the groups gnomAD compares: Admixed American, 0.0022%; no homozygotes.

Submission:

PreventionGenetics, part of Exact Sciences
Classification: Likely benign for DNAH6-related condition. Last evaluated: 2023-07-24. Review status: no assertion criteria provided. Collection method: clinical testing. Allele origin: germline.
Comment: This variant is classified as likely benign based on ACMG/AMP sequence variant interpretation guidelines (Richards et al. 2015 PMID: 25741868, with internal and published modifications).